The following is an entry in ClinVar:

ClinVar aggregate classification (germline): Uncertain significance (1 of 4 stars; one submission).

Submission:

Ambry Genetics
Classification: Uncertain significance. Last evaluated: 2024-01-03. Review status: criteria provided, single submitter. Criteria: Ambry Variant Classification Scheme 2023. Collection method: clinical testing. Allele origin: germline.
Comment: The p.G317A variant (also known as c.950G>C) is located in coding exon 8 of the RECQL gene. The glycine at codon 317 is replaced by alanine, an amino acid with similar properties. This change occurs in the first base pair of coding exon 8. This amino acid position is highly conserved in available vertebrate species. In addition, this alteration is predicted to be deleterious by in silico analysis. The evidence for this gene-disease relationship is limited; therefore, the clinical significance of this alteration is unclear.

NM_002907.4(RECQL):c.950G>C (p.Gly317Ala)

Gene: RECQL (RecQ like helicase; minus strand). Cytogenetic location: 12p12.1.
Variant type: single nucleotide variant.
Coding change: c.950G>C on transcript NM_002907.4 (MANE Select); coding-DNA position 950, G replaced by C.
Protein change: p.Gly317Ala; replaces glycine 317 with alanine.
Molecular consequence: missense variant.
Genome position (GRCh38, 1-based): chr12:21,475,824, C>G on the plus strand (G>C on the coding strand, the complement: RECQL is on the minus strand). VCF-style: chr12-21475824-C-G. GRCh37 (hg19) VCF-style: chr12-21628758-C-G.
Other names: c.950G>C, p.Gly317Ala (NM_032941.3); short protein forms G317A.
Identifiers: ClinVar variation 3222997 (VCV003222997.1), dbSNP rs1351833088, ClinGen allele CA384122513.